The following is an entry in ClinVar:

NM_004287.5(GOSR2):c.104A>G (p.Asn35Ser)

Genes: LRRC37A2 (leucine rich repeat containing 37 member A2), GOSR2 (golgi SNAP receptor complex member 2; plus strand), LOC126862578 (BRD4-independent group 4 enhancer GRCh37_chr17:45008344-45009543; plus strand). Cytogenetic location: 17q21.32.
Variant type: single nucleotide variant.
Coding change: c.104A>G on transcript NM_004287.5 (MANE Select); coding-DNA position 104, A replaced by G.
Protein change: p.Asn35Ser; replaces asparagine 35 with serine.
Molecular consequence: missense variant. On other transcripts: non-coding transcript variant (3).
Genome position (GRCh38, 1-based): chr17:46,931,108, A>G. VCF-style: chr17-46931108-A-G. GRCh37 (hg19) VCF-style: chr17-45008474-A-G.
Other names: c.104A>G, p.Asn35Ser (NM_001012511.3, NM_001321133.2, NM_001330252.2 and 1 more transcripts); c.50A>G, p.Asn17Ser (NM_001321134.2, NM_001363851.2); c.101A>G, p.Asn34Ser (NM_001353114.2, NM_001353115.2, NM_001353116.2); short protein forms N35S, N17S, N34S.
Identifiers: ClinVar variation 546434 (VCV000546434.8), dbSNP rs148962223, ClinGen allele CA8621163.
Genomic context (GRCh38, chr17:46,931,108, plus strand): 5'-TAAGTTCACTATCTCTTTTCCAGCAATTATTCTTTTTTCTTTTTTGTACAGTAGTAGAAA[A>G]CGAAATCCAAGCAAGCATAGACCAGATATTCAGCCGTCTAGAACGTCTGGAGATTTTGTC-3'
Protein context (NP_004278.2, residues 25-45): ADKQSVHIVE[Asn35Ser]EIQASIDQIF

ClinVar aggregate classification (germline): Uncertain significance. Review status: criteria provided, multiple submitters, no conflicts (2 of 4 stars). 3 submissions from 3 submitters: Uncertain significance (3). Last evaluated 2024-01-02.

Conditions:
Inborn genetic diseases. Identifiers: MedGen C0950123, MeSH D030342.
Progressive myoclonic epilepsy. Also called: Myoclonic Epilepsies, Progressive; Progressive myoclonus epilepsy; Myoclonus epilepsy; Familial progressive myoclonic epilepsy. Identifiers: Orphanet 308, Orphanet 98261, MedGen C0751778, MONDO:0020074.

Allele frequency attached by ClinVar (database versions not stated): TOPMed below 0.00001; ExAC 0.00001; gnomAD 0.00001; gnomAD exomes 0.00001.
gnomAD v4.1: 11 of 1,583,748 alleles (0.00069%); highest among the groups gnomAD compares: Non-Finnish European, 0.00095%; no homozygotes.

Submissions (3):

Ambry Genetics
Classification: Uncertain significance for Inborn genetic diseases. Last evaluated: 2024-01-02. Review status: criteria provided, single submitter. Criteria: Ambry Variant Classification Scheme 2023. Collection method: clinical testing. Allele origin: germline.

Labcorp Genetics (formerly Invitae), Labcorp
Classification: Uncertain significance for Progressive myoclonic epilepsy. Last evaluated: 2022-11-15. Review status: criteria provided, single submitter. Criteria: Invitae Variant Classification Sherloc (09022015). Collection method: clinical testing. Allele origin: germline.
Comment: In summary, the available evidence is currently insufficient to determine the role of this variant in disease. Therefore, it has been classified as a Variant of Uncertain Significance. Algorithms developed to predict the effect of missense changes on protein structure and function (SIFT, PolyPhen-2, Align-GVGD) all suggest that this variant is likely to be tolerated. ClinVar contains an entry for this variant (Variation ID: 546434). This variant has not been reported in the literature in individuals affected with GOSR2-related conditions. This variant is present in population databases (rs148962223, gnomAD 0.002%). This sequence change replaces asparagine, which is neutral and polar, with serine, which is neutral and polar, at codon 35 of the GOSR2 protein (p.Asn35Ser).

GeneDx
Classification: Uncertain significance. Last evaluated: 2018-05-25. Review status: criteria provided, single submitter. Criteria: GeneDx Variant Classification (06012015). Collection method: clinical testing. Allele origin: germline. Affected: yes.
Comment: A variant of uncertain significance has been identified in the GOSR2 gene. The N35S variant has not been published as a pathogenic variant, nor has it been reported as a benign variant to our knowledge. This variant is not observed at a significant frequency in large population cohorts (Lek et al., 2016). However, the N35S variant is a conservative amino acid substitution, which is not likely to impact secondary protein structure as these residues share similar properties. Furthermore, in-silico analyses, including protein predictors and evolutionary conservation, support that this variant does not alter protein structure/function. Therefore, based on the currently available information, it is unclear whether this variant is a pathogenic variant or a rare benign variant.